The following is an entry in ClinVar:

NM_004006.3(DMD):c.3922T>C (p.Ser1308Pro)

Gene: DMD (dystrophin; minus strand). Cytogenetic location: Xp21.1.
Variant type: single nucleotide variant.
Coding change: c.3922T>C on transcript NM_004006.3 (MANE Select); coding-DNA position 3922, T replaced by C.
Protein change: p.Ser1308Pro; replaces serine 1308 with proline.
Molecular consequence: missense variant.
Genome position (GRCh38, 1-based): chrX:32,438,390, A>G on the plus strand (T>C on the coding strand, the complement: DMD is on the minus strand). VCF-style: chrX-32438390-A-G. GRCh37 (hg19) VCF-style: chrX-32456507-A-G.
Other names: c.3898T>C, p.Ser1300Pro (NM_000109.4); c.3910T>C, p.Ser1304Pro (NM_004009.3); c.3553T>C, p.Ser1185Pro (NM_004010.3); short protein forms S1185P, S1300P, S1304P, S1308P.
Identifiers: ClinVar variation 1736214 (VCV001736214.2), dbSNP rs2524075205, ClinGen allele CA412669561.

ClinVar aggregate classification (germline): Uncertain significance (1 of 4 stars; one submission).

Conditions:
Cardiovascular phenotype. Identifiers: MedGen CN230736.

Allele frequency attached by ClinVar (database versions not stated): gnomAD exomes below 0.00001.
gnomAD v4.1: 2 of 1,210,734 alleles (0.00017%); highest among the groups gnomAD compares: Non-Finnish European, 0.00022%; no homozygotes.

Submission:

Ambry Genetics
Classification: Uncertain significance for Cardiovascular phenotype. Last evaluated: 2020-11-12. Review status: criteria provided, single submitter. Criteria: Ambry Variant Classification Scheme 2023. Collection method: clinical testing. Allele origin: germline.
Comment: The p.S1308P variant (also known as c.3922T>C) is located in coding exon 29 of the DMD gene. The serine at codon 1308 is replaced by proline, an amino acid with similar properties. This change occurs in the first base pair of coding exon 29. This amino acid position is highly conserved in available vertebrate species. In addition, the in silico prediction for this alteration is inconclusive. Since supporting evidence is limited at this time, the clinical significance of this alteration remains unclear.